The following is an entry in ClinVar:

ClinVar aggregate classification (germline): Benign/Likely benign. Review status: criteria provided, multiple submitters, no conflicts (2 of 4 stars). 2 submissions from 2 submitters: Benign (1); Likely benign (1). Last evaluated 2025-11-23.

Allele frequency attached by ClinVar (database versions not stated): TOPMed 0.00027; gnomAD 0.00036; gnomAD exomes 0.00051; ExAC 0.00059; ESP Exome Variant Server 0.00077.
gnomAD v4.1: 919 of 1,613,864 alleles (0.057%); highest among the groups gnomAD compares: South Asian, 0.071%; no homozygotes.

Submissions (2):

Labcorp Genetics (formerly Invitae), Labcorp
Classification: Benign. Last evaluated: 2025-11-23. Review status: criteria provided, single submitter. Criteria: Invitae Variant Classification Sherloc (09022015). Collection method: clinical testing. Allele origin: germline.

CeGaT Center for Human Genetics Tuebingen
Classification: Likely benign. Last evaluated: 2024-09-01. Review status: criteria provided, single submitter. Criteria: CeGaT Center For Human Genetics Tuebingen Variant Classification Criteria Version 2. Collection method: clinical testing. Allele origin: germline. Affected: yes. Observed: 4 variant alleles.
Comment: TCF20: BP4, BP7

NM_001378418.1(TCF20):c.1845T>C (p.Gly615=)

Gene: TCF20 (transcription factor 20; minus strand). Cytogenetic location: 22q13.2.
Variant type: single nucleotide variant.
Coding change: c.1845T>C on transcript NM_001378418.1 (MANE Select); coding-DNA position 1845, T replaced by C.
Protein change: p.Gly615=; no amino-acid change (glycine 615 retained).
Molecular consequence: synonymous variant.
Genome position (GRCh38, 1-based): chr22:42,213,461, A>G on the plus strand (T>C on the coding strand, the complement: TCF20 is on the minus strand). VCF-style: chr22-42213461-A-G. GRCh37 (hg19) VCF-style: chr22-42609467-A-G.
Other names: c.1845T>C, p.Gly615= (NM_005650.4, NM_181492.3).
Identifiers: ClinVar variation 1614029 (VCV001614029.32), dbSNP rs147095399, ClinGen allele CA10267105.